The following is an entry in ClinVar:

NM_017777.4(MKS1):c.1414C>T (p.Arg472Cys)

Gene: MKS1 (MKS transition zone complex subunit 1; minus strand). Cytogenetic location: 17q22.
Variant type: single nucleotide variant.
Coding change: c.1414C>T on transcript NM_017777.4 (MANE Select); coding-DNA position 1414, C replaced by T.
Protein change: p.Arg472Cys; replaces arginine 472 with cysteine.
Molecular consequence: missense variant. On other transcripts: intron variant (2).
Genome position (GRCh38, 1-based): chr17:58,206,541, G>A on the plus strand (C>T on the coding strand, the complement: MKS1 is on the minus strand). VCF-style: chr17-58206541-G-A. GRCh37 (hg19) VCF-style: chr17-56283902-G-A.
Other names: p.Arg472Cys; c.805C>T, p.Arg269Cys (NM_001321268.2); c.1274-161C>T (NM_001330397.2); c.1408-161C>T (NM_001321269.2); short protein forms R472C, R269C.
Identifiers: ClinVar variation 287497 (VCV000287497.21), dbSNP rs181513926, ClinGen allele CA8669128.

ClinVar aggregate classification (germline): Uncertain significance. Review status: criteria provided, multiple submitters, no conflicts (2 of 4 stars). 9 submissions from 9 submitters: Uncertain significance (8). 1 of the submissions does not count toward it. Last evaluated 2026-08-18.

Conditions:
MKS1-related disorder. Also called: MKS1-related condition; MKS1-related disorders. Identifiers: MedGen CN239382.
Inborn genetic diseases. Identifiers: MedGen C0950123, MeSH D030342.
Meckel syndrome, type 1 (MKS1). Also called: MECKEL-GRUBER SYNDROME, TYPE 1. Identifiers: Orphanet 564, MedGen C3714506, MONDO:0009571, OMIM 249000.
Meckel-Gruber syndrome. Also called: DYSENCEPHALIA SPLANCHNOCYSTICA; GRUBER SYNDROME; Dysencephalia splachnocystica. Identifiers: Orphanet 564, MedGen C0265215, MONDO:0018921.
Joubert syndrome. Also called: JOUBERT-BOLTSHAUSER SYNDROME; Familial aplasia of the vermis. Identifiers: Orphanet 475, MedGen C5979921, MONDO:0018772.

Allele frequency attached by ClinVar (database versions not stated): 1000 Genomes Project 0.00040; TOPMed 0.00013; gnomAD 0.00029; 1000 Genomes Project 30x 0.00031.
gnomAD v4.1: 165 of 1,612,474 alleles (0.01%); highest among the groups gnomAD compares: Non-Finnish European, 0.011%; no homozygotes.

Submissions (9):

PreventionGenetics, part of Exact Sciences
Classification: Uncertain significance for MKS1-related condition. Last evaluated: 2026-08-18. Review status: criteria provided, single submitter. Criteria: ACMG Guidelines, 2015. Collection method: clinical testing. Allele origin: germline.
Comment: The MKS1 c.1414C>T variant is predicted to result in the amino acid substitution p.Arg472Cys. This variant has been reported in the homozygous state in an individual with Meckel-Gruber syndrome (Ulusoy Tangul et al. 2024. PubMed ID: 39412385). This variant is reported in 0.012% of alleles in individuals of European (Non-Finnish) descent in gnomAD. At this time, the clinical significance of this variant is uncertain due to the absence of conclusive functional and genetic evidence.

Ambry Genetics
Classification: Uncertain significance for Inborn genetic diseases. Last evaluated: 2024-12-14. Review status: criteria provided, single submitter. Criteria: Ambry Variant Classification Scheme 2023. Collection method: clinical testing. Allele origin: germline.

Blueprint Genetics
Classification: Uncertain significance. Last evaluated: 2024-10-21. Review status: criteria provided, single submitter. Criteria: ACMG Guidelines, 2015. Collection method: clinical testing. Allele origin: germline.

Mayo Clinic Laboratories, Mayo Clinic
Classification: Uncertain significance. Last evaluated: 2024-04-03. Review status: criteria provided, single submitter. Criteria: ACMG Guidelines, 2015. Collection method: clinical testing. Allele origin: germline. Observed: 1 variant allele.
Comment: PM2

Labcorp Genetics (formerly Invitae), Labcorp
Classification: Uncertain significance for Joubert syndrome; Meckel-Gruber syndrome. Last evaluated: 2022-09-07. Review status: criteria provided, single submitter. Criteria: Invitae Variant Classification Sherloc (09022015). Collection method: clinical testing. Allele origin: germline.
Comment: This sequence change replaces arginine, which is basic and polar, with cysteine, which is neutral and slightly polar, at codon 472 of the MKS1 protein (p.Arg472Cys). This variant is present in population databases (rs181513926, gnomAD 0.01%). This variant has not been reported in the literature in individuals affected with MKS1-related conditions. ClinVar contains an entry for this variant (Variation ID: 287497). Algorithms developed to predict the effect of missense changes on protein structure and function are either unavailable or do not agree on the potential impact of this missense change (SIFT: "Deleterious"; PolyPhen-2: "Benign"; Align-GVGD: "Class C0"). In summary, the available evidence is currently insufficient to determine the role of this variant in disease. Therefore, it has been classified as a Variant of Uncertain Significance.

GeneDx
Classification: Uncertain significance. Last evaluated: 2022-07-26. Review status: criteria provided, single submitter. Criteria: GeneDx Variant Classification Process June 2021. Collection method: clinical testing. Allele origin: germline. Affected: yes.
Comment: In silico analysis supports that this missense variant does not alter protein structure/function; Has not been previously published as pathogenic or benign to our knowledge

Women's Health and Genetics/Laboratory Corporation of America, LabCorp
Classification: Uncertain significance. Last evaluated: 2018-07-13. Review status: criteria provided, single submitter. Criteria: LabCorp Variant Classification Summary - May 2015. Collection method: clinical testing. Allele origin: germline.
Comment: Variant summary: MKS1 c.1414C>T (p.Arg472Cys) results in a non-conservative amino acid change in the encoded protein sequence. Three of five in-silico tools predict a benign effect of the variant on protein function. The variant allele was found at a frequency of 8.4e-05 in 275038 control chromosomes. To our knowledge, no occurrence of c.1414C>T in individuals affected with Meckel syndrome type 1 and no experimental evidence demonstrating its impact on protein function have been reported. One clinical diagnostic laboratory has submitted clinical-significance assessments for this variant to ClinVar after 2014 and classified the variant as uncertain significance. Based on the evidence outlined above, the variant was classified as uncertain significance.

Eurofins Ntd Llc (ga)
Classification: Uncertain significance. Last evaluated: 2016-10-07. Review status: criteria provided, single submitter. Criteria: EGL Classification Definitions 2015. Collection method: clinical testing. Allele origin: germline. Observed: 2 variant alleles, 2 heterozygotes.

Natera, Inc.
Classification: Uncertain significance for Meckel syndrome type 1. Last evaluated: 2020-01-17. Review status: no assertion criteria provided. Collection method: clinical testing. Allele origin: germline. Not counted in ClinVar's aggregate classification.